The following is an entry in ClinVar:

NM_001005242.3(PKP2):c.1199T>G (p.Leu400Arg)

Gene: PKP2 (plakophilin 2; minus strand). Cytogenetic location: 12p11.21.
Variant type: single nucleotide variant.
Coding change: c.1199T>G on transcript NM_001005242.3 (MANE Select); coding-DNA position 1199, T replaced by G.
Protein change: p.Leu400Arg; replaces leucine 400 with arginine.
Molecular consequence: missense variant.
Genome position (GRCh38, 1-based): chr12:32,850,945, A>C on the plus strand (T>G on the coding strand, the complement: PKP2 is on the minus strand). VCF-style: chr12-32850945-A-C. GRCh37 (hg19) VCF-style: chr12-33003879-A-C.
Other names: c.1199T>G, p.Leu400Arg (NM_001407155.1, NM_001407156.1, NM_001407157.1 and 2 more transcripts); c.872T>G, p.Leu291Arg (NM_001407158.1, NM_001407159.1, NM_001407160.1 and 1 more transcripts); short protein forms L291R, L400R.
Identifiers: ClinVar variation 4797791 (VCV004797791.1).

ClinVar aggregate classification (germline): Uncertain significance (1 of 4 stars; one submission).

Conditions:
Arrhythmogenic right ventricular dysplasia 9 (ARVD9). Also called: Arrhythmogenic Right Ventricular Dysplasia/Cardiomyopathy 9; ARRHYTHMOGENIC RIGHT VENTRICULAR DYSPLASIA, FAMILIAL, 9. Identifiers: MedGen C1836906, MONDO:0012180, OMIM 609040.

Submission:

Labcorp Genetics (formerly Invitae), Labcorp
Classification: Uncertain significance for Arrhythmogenic right ventricular dysplasia 9. Last evaluated: 2025-07-31. Review status: criteria provided, single submitter. Criteria: Invitae Variant Classification Sherloc (09022015). Collection method: clinical testing. Allele origin: germline.
Comment: This sequence change replaces leucine, which is neutral and non-polar, with arginine, which is basic and polar, at codon 400 of the PKP2 protein (p.Leu400Arg). This variant is not present in population databases (gnomAD no frequency). This variant has not been reported in the literature in individuals affected with PKP2-related conditions. An algorithm developed to predict the effect of missense changes on protein structure and function (PolyPhen-2) suggests that this variant is likely to be disruptive. In summary, the available evidence is currently insufficient to determine the role of this variant in disease. Therefore, it has been classified as a Variant of Uncertain Significance.